The following is an entry in ClinVar:

ClinVar aggregate classification (germline): Uncertain significance (1 of 4 stars; one submission).

Submission:

GeneDx
Classification: Uncertain significance. Last evaluated: 2021-11-12. Review status: criteria provided, single submitter. Criteria: GeneDx Variant Classification Process June 2021. Collection method: clinical testing. Allele origin: germline. Affected: yes.
Comment: Not observed in large population cohorts (Lek et al., 2016); In silico analysis supports that this missense variant does not alter protein structure/function; Has not been previously published as pathogenic or benign to our knowledge

NM_001134407.3(GRIN2A):c.3572T>A (p.Phe1191Tyr)

Gene: GRIN2A (glutamate ionotropic receptor NMDA type subunit 2A; minus strand). Cytogenetic location: 16p13.2.
Variant type: single nucleotide variant.
Coding change: c.3572T>A on transcript NM_001134407.3 (MANE Select); coding-DNA position 3572, T replaced by A.
Protein change: p.Phe1191Tyr; replaces phenylalanine 1191 with tyrosine.
Molecular consequence: missense variant.
Genome position (GRCh38, 1-based): chr16:9,763,972, A>T on the plus strand (T>A on the coding strand, the complement: GRIN2A is on the minus strand). VCF-style: chr16-9763972-A-T. GRCh37 (hg19) VCF-style: chr16-9857829-A-T.
Other names: c.3572T>A, p.Phe1191Tyr (NM_000833.5, NM_001134408.2); short protein forms F1191Y.
Identifiers: ClinVar variation 1326111 (VCV001326111.2), dbSNP rs2141130877, ClinGen allele CA394707330.
Genomic context (GRCh38, chr16:9,763,972, plus strand): 5'-GAGTTCTGCCGGTATCGCTCGCTGGTCTCACTGTGCGGGGAACCCTTGTCTTTCAAGGTG[A>T]AGTGCTTGGAGTAGAGTTTATACTGGTCGTTGTTGGAAAGCCCCTCTTCATTATGCAAGG-3'
Protein context (NP_001127879.1, residues 1181-1201): NDQYKLYSKH[Phe1191Tyr]TLKDKGSPHS